The following is an entry in ClinVar:

ClinVar aggregate classification (germline): Benign (0 of 4 stars; one submission).

Conditions:
TSHZ1-related disorder. Also called: TSHZ1-related condition.

Allele frequency attached by ClinVar (database versions not stated): ESP Exome Variant Server 0.00976; 1000 Genomes Project 0.01018; TOPMed 0.01023; 1000 Genomes Project 30x 0.01077.
gnomAD v4.1: 4,048 of 1,614,148 alleles (0.25%); highest among the groups gnomAD compares: African/African-American, 2.9%; 31 homozygotes.

Submission:

PreventionGenetics, part of Exact Sciences
Classification: Benign for TSHZ1-related condition. Last evaluated: 2019-07-12. Review status: no assertion criteria provided. Collection method: clinical testing. Allele origin: germline.
Comment: This variant is classified as benign based on ACMG/AMP sequence variant interpretation guidelines (Richards et al. 2015 PMID: 25741868, with internal and published modifications).

NM_001308210.2(TSHZ1):c.1539G>T (p.Ala513=)

Genes: TSHZ1 (teashirt zinc finger homeobox 1; plus strand), LOC125371439 (Sharpr-MPRA regulatory region 9768; plus strand). Cytogenetic location: 18q22.3.
Variant type: single nucleotide variant.
Coding change: c.1539G>T on transcript NM_001308210.2 (MANE Select); coding-DNA position 1539, G replaced by T.
Protein change: p.Ala513=; no amino-acid change (alanine 513 retained).
Molecular consequence: synonymous variant.
Genome position (GRCh38, 1-based): chr18:75,286,946, G>T. VCF-style: chr18-75286946-G-T. GRCh37 (hg19) VCF-style: chr18-72998901-G-T.
Other names: c.1404G>T, p.Ala468= (NM_005786.6).
Identifiers: ClinVar variation 3038388 (VCV003038388.2), dbSNP rs111329836, ClinGen allele CA9002064.
Genomic context (GRCh38, chr18:75,286,946, plus strand): 5'-CACGACTTCTGAAGAAAAGAAAGAGCCAGAGAAGGAGAAGCCGCCTGTGGCTGGCGACGC[G>T]GAGAAGATCAAGGAGGAGAGTGAGGACAGCTTGGAGAAATTTGAGCCCAGCACCCTGTAC-3'
Protein context (NP_001295139.1, residues 503-523): EKEKPPVAGD[Ala513=]EKIKEESEDS